The following is an entry in ClinVar:

NM_003998.4(NFKB1):c.285G>A (p.Lys95=)

Gene: NFKB1 (nuclear factor kappa B subunit 1; plus strand). Cytogenetic location: 4q24.
Variant type: single nucleotide variant.
Coding change: c.285G>A on transcript NM_003998.4 (MANE Select); coding-DNA position 285, G replaced by A.
Protein change: p.Lys95=; no amino-acid change (lysine 95 retained).
Molecular consequence: synonymous variant.
Genome position (GRCh38, 1-based): chr4:102,567,013, G>A. VCF-style: chr4-102567013-G-A. GRCh37 (hg19) VCF-style: chr4-103488170-G-A.
Other names: c.282G>A, p.Lys94= (NM_001165412.2, NM_001319226.2, NM_001382627.1); c.285G>A, p.Lys95= (NM_001382625.1, NM_001382626.1); c.243G>A, p.Lys81= (NM_001382628.1).
Identifiers: ClinVar variation 1598581 (VCV001598581.11), dbSNP rs139566935, ClinGen allele CA3025857.

ClinVar aggregate classification (germline): Benign/Likely benign. Review status: criteria provided, multiple submitters, no conflicts (2 of 4 stars). 3 submissions from 3 submitters: Benign (1); Likely benign (2). Last evaluated 2026-05-01.

Allele frequency attached by ClinVar (database versions not stated): gnomAD exomes 0.00008; ExAC 0.00012; TOPMed 0.00030; gnomAD 0.00036 and 0.00039; ESP Exome Variant Server 0.00062.
gnomAD v4.1: 94 of 1,613,862 alleles (0.0058%); highest among the groups gnomAD compares: African/African-American, 0.11%; no homozygotes.

Submissions (3):

CeGaT Center for Human Genetics Tuebingen
Classification: Likely benign. Last evaluated: 2026-05-01. Review status: criteria provided, single submitter. Criteria: CeGaT Center For Human Genetics Tuebingen Variant Classification Criteria Version 2. Collection method: clinical testing. Allele origin: germline. Affected: yes. Observed: 1 variant allele.
Comment: NFKB1: BP4, BP7

Labcorp Genetics (formerly Invitae), Labcorp
Classification: Benign. Last evaluated: 2026-01-08. Review status: criteria provided, single submitter. Criteria: Invitae Variant Classification Sherloc (09022015). Collection method: clinical testing. Allele origin: germline.

Blueprint Genetics
Classification: Likely benign. Last evaluated: 2023-05-23. Review status: criteria provided, single submitter. Criteria: ACMG Guidelines, 2015. Collection method: clinical testing. Allele origin: germline.